The following is an entry in ClinVar:

NM_000334.4(SCN4A):c.373A>G (p.Ile125Val)

Gene: SCN4A (sodium voltage-gated channel alpha subunit 4; minus strand). Cytogenetic location: 17q23.3.
Variant type: single nucleotide variant.
Coding change: c.373A>G on transcript NM_000334.4 (MANE Select); coding-DNA position 373, A replaced by G.
Protein change: p.Ile125Val; replaces isoleucine 125 with valine.
Molecular consequence: missense variant.
Genome position (GRCh38, 1-based): chr17:63,972,371, T>C on the plus strand (A>G on the coding strand, the complement: SCN4A is on the minus strand). VCF-style: chr17-63972371-T-C. GRCh37 (hg19) VCF-style: chr17-62049731-T-C.
Other names: short protein forms I125V.
Identifiers: ClinVar variation 2152644 (VCV002152644.4), dbSNP rs774487720, ClinGen allele CA8710193.

ClinVar aggregate classification (germline): Uncertain significance (1 of 4 stars; one submission).

Conditions:
Hyperkalemic periodic paralysis. Also called: Familial hyperkalemic periodic paralysis; Gamstorp disease. Identifiers: Orphanet 682, MedGen C0238357, MONDO:0008224, OMIM 170500, HP:0007215.

Allele frequency attached by ClinVar (database versions not stated): gnomAD exomes 0.00001; ExAC 0.00002.

Submission:

Labcorp Genetics (formerly Invitae), Labcorp
Classification: Uncertain significance for Hyperkalemic periodic paralysis. Last evaluated: 2022-09-17. Review status: criteria provided, single submitter. Criteria: Invitae Variant Classification Sherloc (09022015). Collection method: clinical testing. Allele origin: germline.
Comment: This variant is present in population databases (rs774487720, gnomAD 0.0009%). This sequence change replaces isoleucine, which is neutral and non-polar, with valine, which is neutral and non-polar, at codon 125 of the SCN4A protein (p.Ile125Val). This variant has not been reported in the literature in individuals affected with SCN4A-related conditions. Advanced modeling of protein sequence and biophysical properties (such as structural, functional, and spatial information, amino acid conservation, physicochemical variation, residue mobility, and thermodynamic stability) performed at Invitae indicates that this missense variant is not expected to disrupt SCN4A protein function. In summary, the available evidence is currently insufficient to determine the role of this variant in disease. Therefore, it has been classified as a Variant of Uncertain Significance.